The following is an entry in ClinVar:

NM_005618.4(DLL1):c.2082G>A (p.Ser694=)

Genes: DLL1 (delta like canonical Notch ligand 1; minus strand), LOC126859913 (P300/CBP strongly-dependent group 1 enhancer GRCh37_chr6:170591232-170592431; plus strand). Cytogenetic location: 6q27.
Variant type: single nucleotide variant.
Coding change: c.2082G>A on transcript NM_005618.4 (MANE Select); coding-DNA position 2082, G replaced by A.
Protein change: p.Ser694=; no amino-acid change (serine 694 retained).
Molecular consequence: synonymous variant.
Genome position (GRCh38, 1-based): chr6:170,283,072, C>T on the plus strand (G>A on the coding strand, the complement: DLL1 is on the minus strand). VCF-style: chr6-170283072-C-T. GRCh37 (hg19) VCF-style: chr6-170592160-C-T.
Identifiers: ClinVar variation 4534480 (VCV004534480.7).

ClinVar aggregate classification (germline): Likely benign. Review status: criteria provided, multiple submitters, no conflicts (2 of 4 stars). 2 submissions from 2 submitters: Likely benign (2). Last evaluated 2025-11-01.

Submissions (2):

CeGaT Center for Human Genetics Tuebingen
Classification: Likely benign. Last evaluated: 2025-11-01. Review status: criteria provided, single submitter. Criteria: CeGaT Center For Human Genetics Tuebingen Variant Classification Criteria Version 2. Collection method: clinical testing. Allele origin: germline. Affected: yes. Observed: 1 variant allele.
Comment: DLL1: BP4, BP7

Labcorp Genetics (formerly Invitae), Labcorp
Classification: Likely benign. Last evaluated: 2025-05-30. Review status: criteria provided, single submitter. Criteria: Invitae Variant Classification Sherloc (09022015). Collection method: clinical testing. Allele origin: germline.